The following is an entry in ClinVar:

ClinVar aggregate classification (germline): Uncertain significance. Review status: criteria provided, single submitter (1 of 4 stars). 2 submissions from 2 submitters: Uncertain significance (1). 1 of the submissions does not count toward it. Last evaluated 2022-04-18.

Conditions:
Wilson disease (WND). Also called: Wilson's disease. Identifiers: Orphanet 905, MedGen C0019202, MONDO:0010200, OMIM 277900. Disease mechanism: loss of function.

Allele frequency attached by ClinVar (database versions not stated): gnomAD exomes below 0.00001.
gnomAD v4.1: 1 of 1,614,250 alleles (0.000062%); highest among the groups gnomAD compares: Middle Eastern, 0.016%; no homozygotes.

Submissions (2):

Labcorp Genetics (formerly Invitae), Labcorp
Classification: Uncertain significance for Wilson disease. Last evaluated: 2022-04-18. Review status: criteria provided, single submitter. Criteria: Invitae Variant Classification Sherloc (09022015). Collection method: clinical testing. Allele origin: germline.
Comment: ClinVar contains an entry for this variant (Variation ID: 556009). Algorithms developed to predict the effect of missense changes on protein structure and function are either unavailable or do not agree on the potential impact of this missense change (SIFT: "Deleterious"; PolyPhen-2: "Probably Damaging"; Align-GVGD: "Class C0"). In summary, the available evidence is currently insufficient to determine the role of this variant in disease. Therefore, it has been classified as a Variant of Uncertain Significance. This missense change has been observed in individual(s) with Wilson disease (PMID: 27022412, 34470610). This sequence change replaces proline, which is neutral and non-polar, with alanine, which is neutral and non-polar, at codon 1245 of the ATP7B protein (p.Pro1245Ala). This variant is not present in population databases (gnomAD no frequency).

Counsyl
Classification: Uncertain significance for Wilson disease. Last evaluated: 2018-01-08. Review status: no assertion criteria provided. Collection method: clinical testing. Allele origin: unknown. Not counted in ClinVar's aggregate classification.

Literature cited by the submitters: PubMed 27022412 (cited by Labcorp Genetics (formerly Invitae), Labcorp and Counsyl); PubMed 34470610 (cited by Labcorp Genetics (formerly Invitae), Labcorp).

NM_000053.4(ATP7B):c.3733C>G (p.Pro1245Ala)

Gene: ATP7B (ATPase copper transporting beta; minus strand). Cytogenetic location: 13q14.3.
Variant type: single nucleotide variant.
Coding change: c.3733C>G on transcript NM_000053.4 (MANE Select); coding-DNA position 3733, C replaced by G.
Protein change: p.Pro1245Ala; replaces proline 1245 with alanine.
Molecular consequence: missense variant.
Genome position (GRCh38, 1-based): chr13:51,937,646, G>C on the plus strand (C>G on the coding strand, the complement: ATP7B is on the minus strand). VCF-style: chr13-51937646-G-C. GRCh37 (hg19) VCF-style: chr13-52511782-G-C.
Other names: c.3112C>G, p.Pro1038Ala (NM_001005918.3); c.3400C>G, p.Pro1134Ala (NM_001243182.2); c.3499C>G, p.Pro1167Ala (NM_001330578.2); c.3481C>G, p.Pro1161Ala (NM_001330579.2); short protein forms P1245A, P1038A, P1161A, P1134A, P1167A.
Identifiers: ClinVar variation 556009 (VCV000556009.6), dbSNP rs587783316, ClinGen allele CA388022433.